The following is an entry in ClinVar:

ClinVar aggregate classification (germline): Likely pathogenic (1 of 4 stars; one submission).

Conditions:
Ehlers-Danlos syndrome, type 4 (EDSVASC). Also called: Ehlers-Danlos Syndrome Type IV; Ehlers-Danlos syndrome vascular type; Ehlers Danlos syndrome, ecchymotic type; Ehlers Danlos syndrome, arterial type; Ehlers Danlos syndrome, Sack-Barabas type. Identifiers: Orphanet 286, MedGen C0268338, MONDO:0017314, OMIM 130050.

Submission:

Labcorp Genetics (formerly Invitae), Labcorp
Classification: Likely pathogenic for Ehlers-Danlos syndrome, type 4. Last evaluated: 2017-02-09. Review status: criteria provided, single submitter. Criteria: Invitae Variant Classification Sherloc (09022015). Collection method: clinical testing. Allele origin: germline.
Comment: Algorithms developed to predict the effect of sequence changes on RNA splicing suggest that this variant may alter RNA splicing, but this prediction has not been confirmed by published transcriptional studies. In summary, donor and acceptor splice site variants are typically loss-of-function (PMID: 16199547), and loss-of-function variants in COL3A1 are known to be pathogenic (PMID: 24922459). However, without additional functional and/or genetic data, this variant has been classified as Likely Pathogenic. This variant is not present in population databases (ExAC no frequency) and has not been reported in the literature in individuals with a COL3A1-related disease. This sequence change affects an acceptor splice site in intron 18 of the COL3A1 gene. It is expected to disrupt RNA splicing and likely results in an absent or disrupted protein product.

Literature cited by the submitters: PubMed 16199547; PubMed 24922459.

NM_000090.4(COL3A1):c.1294-1G>C

Gene: COL3A1 (collagen type III alpha 1 chain; plus strand). Cytogenetic location: 2q32.2.
Variant type: single nucleotide variant.
Coding change: c.1294-1G>C on transcript NM_000090.4 (MANE Select); the canonical splice acceptor site of the intron before coding-DNA position 1294, G replaced by C.
Molecular consequence: splice acceptor variant.
Genome position (GRCh38, 1-based): chr2:188,994,540, G>C. VCF-style: chr2-188994540-G-C. GRCh37 (hg19) VCF-style: chr2-189859266-G-C.
Identifiers: ClinVar variation 404305 (VCV000404305.7), dbSNP rs1060500204, ClinGen allele CA16610632.